The following is an entry in ClinVar:

NM_005228.5(EGFR):c.125G>A (p.Gly42Asp)

Gene: EGFR (epidermal growth factor receptor; plus strand). Cytogenetic location: 7p11.2.
Variant type: single nucleotide variant.
Coding change: c.125G>A on transcript NM_005228.5 (MANE Select); coding-DNA position 125, G replaced by A.
Protein change: p.Gly42Asp; replaces glycine 42 with aspartic acid.
Molecular consequence: missense variant. On other transcripts: 5 prime UTR variant (1), intron variant (1).
Genome position (GRCh38, 1-based): chr7:55,142,322, G>A. VCF-style: chr7-55142322-G-A. GRCh37 (hg19) VCF-style: chr7-55210015-G-A.
Other names: c.125G>A, p.Gly42Asp (NM_001346897.2, NM_001346898.2, NM_001346899.2 and 3 more transcripts); c.-35G>A (NM_001346900.2); c.89-13508G>A (NM_001346941.2); short protein forms G42D.
Identifiers: ClinVar variation 4638913 (VCV004638913.1).

ClinVar aggregate classification (germline): Uncertain significance (1 of 4 stars; one submission).

Conditions:
Hereditary cancer-predisposing syndrome. Also called: Neoplastic Syndromes, Hereditary; Tumor predisposition; Hereditary Cancer Syndrome; Hereditary neoplastic syndrome. Identifiers: Orphanet 140162, MedGen C0027672, MeSH D009386, MONDO:0015356.

gnomAD v4.1: 1 of 1,614,174 alleles (0.000062%); highest among the groups gnomAD compares: South Asian, 0.0011%; no homozygotes.

Submission:

Ambry Genetics
Classification: Uncertain significance for Hereditary cancer-predisposing syndrome. Last evaluated: 2025-10-22. Review status: criteria provided, single submitter. Criteria: Ambry Variant Classification Scheme 2023. Collection method: clinical testing. Allele origin: germline.
Comment: The p.G42D variant (also known as c.125G>A), located in coding exon 2 of the EGFR gene, results from a G to A substitution at nucleotide position 125. The glycine at codon 42 is replaced by aspartic acid, an amino acid with similar properties. This amino acid position is highly conserved in available vertebrate species. In addition, this alteration is predicted to be deleterious by in silico analysis. Based on the available evidence, the clinical significance of this variant remains unclear.